The following is an entry in ClinVar:

ClinVar aggregate classification (germline): Uncertain significance (1 of 4 stars; one submission).

Allele frequency attached by ClinVar (database versions not stated): ExAC 0.00001; TOPMed 0.00001; 1000 Genomes Project 0.00020; 1000 Genomes Project 30x 0.00031.
gnomAD v4.1: 18 of 1,504,308 alleles (0.0012%); highest among the groups gnomAD compares: Admixed American, 0.0077%; no homozygotes.

Submission:

Labcorp Genetics (formerly Invitae), Labcorp
Classification: Uncertain significance. Last evaluated: 2022-04-03. Review status: criteria provided, single submitter. Criteria: Invitae Variant Classification Sherloc (09022015). Collection method: clinical testing. Allele origin: germline.
Comment: This sequence change replaces glutamic acid, which is acidic and polar, with lysine, which is basic and polar, at codon 386 of the IFNAR1 protein (p.Glu386Lys). This variant is present in population databases (rs201609461, gnomAD 0.008%). This variant has not been reported in the literature in individuals affected with IFNAR1-related conditions. Algorithms developed to predict the effect of missense changes on protein structure and function output the following: SIFT: "Tolerated"; PolyPhen-2: "Benign"; Align-GVGD: "Class C0". The lysine amino acid residue is found in multiple mammalian species, which suggests that this missense change does not adversely affect protein function. In summary, the available evidence is currently insufficient to determine the role of this variant in disease. Therefore, it has been classified as a Variant of Uncertain Significance.

NM_000629.3(IFNAR1):c.1156G>A (p.Glu386Lys)

Gene: IFNAR1 (interferon alpha and beta receptor subunit 1; plus strand). Cytogenetic location: 21q22.11.
Variant type: single nucleotide variant.
Coding change: c.1156G>A on transcript NM_000629.3 (MANE Select); coding-DNA position 1156, G replaced by A.
Protein change: p.Glu386Lys; replaces glutamic acid 386 with lysine.
Molecular consequence: missense variant.
Genome position (GRCh38, 1-based): chr21:33,352,770, G>A. VCF-style: chr21-33352770-G-A. GRCh37 (hg19) VCF-style: chr21-34725076-G-A.
Other names: c.1156G>A, p.Glu386Lys (NM_001384498.1, NM_001384499.1, NM_001384503.1); c.394G>A, p.Glu132Lys (NM_001384500.1); c.1141G>A, p.Glu381Lys (NM_001384501.1); c.694G>A, p.Glu232Lys (NM_001384502.1); c.949G>A, p.Glu317Lys (NM_001384504.1); short protein forms E232K, E381K, E132K, E386K, E317K.
Identifiers: ClinVar variation 1901931 (VCV001901931.2), dbSNP rs201609461, ClinGen allele CA10006688.